The following is an entry in ClinVar:

ClinVar aggregate classification (germline): Uncertain significance (1 of 4 stars; one submission).

Conditions:
Adams-Oliver syndrome 5 (AOS5). Identifiers: Orphanet 974, MedGen C4014970, MONDO:0014459, OMIM 616028.

Allele frequency attached by ClinVar (database versions not stated): gnomAD 0.00001; TOPMed 0.00001.
gnomAD v4.1: 5 of 1,612,660 alleles (0.00031%); highest among the groups gnomAD compares: Non-Finnish European, 0.00042%; no homozygotes.

Submission:

Labcorp Genetics (formerly Invitae), Labcorp
Classification: Uncertain significance for Adams-Oliver syndrome 5. Last evaluated: 2022-03-27. Review status: criteria provided, single submitter. Criteria: Invitae Variant Classification Sherloc (09022015). Collection method: clinical testing. Allele origin: germline.
Comment: In summary, the available evidence is currently insufficient to determine the role of this variant in disease. Therefore, it has been classified as a Variant of Uncertain Significance. Variants that disrupt the consensus splice site are a relatively common cause of aberrant splicing (PMID: 17576681, 9536098). Algorithms developed to predict the effect of sequence changes on RNA splicing suggest that this variant may disrupt the consensus splice site. This variant has not been reported in the literature in individuals affected with NOTCH1-related conditions. This variant is not present in population databases (gnomAD no frequency). This sequence change falls in intron 5 of the NOTCH1 gene. It does not directly change the encoded amino acid sequence of the NOTCH1 protein. It affects a nucleotide within the consensus splice site.

Literature cited by the submitters: PubMed 17576681; PubMed 9536098.

NM_017617.5(NOTCH1):c.865+5G>A

Gene: NOTCH1 (notch receptor 1; minus strand). Cytogenetic location: 9q34.3.
Variant type: single nucleotide variant.
Coding change: c.865+5G>A on transcript NM_017617.5 (MANE Select); 5 bases into the intron after coding-DNA position 865, G replaced by A.
Molecular consequence: intron variant.
Genome position (GRCh38, 1-based): chr9:136,519,438, C>T on the plus strand (G>A on the coding strand, the complement: NOTCH1 is on the minus strand). VCF-style: chr9-136519438-C-T. GRCh37 (hg19) VCF-style: chr9-139413890-C-T.
Identifiers: ClinVar variation 1370742 (VCV001370742.6), dbSNP rs1307085130, ClinGen allele CA591367549.